The following is an entry in ClinVar:

NM_001165963.4(SCN1A):c.3098T>C (p.Phe1033Ser)

Genes: SCN1A (sodium voltage-gated channel alpha subunit 1; minus strand), LOC102724058 (uncharacterized LOC102724058; plus strand). Cytogenetic location: 2q24.3.
Variant type: single nucleotide variant.
Coding change: c.3098T>C on transcript NM_001165963.4 (MANE Select); coding-DNA position 3098, T replaced by C.
Protein change: p.Phe1033Ser; replaces phenylalanine 1033 with serine.
Molecular consequence: missense variant. On other transcripts: non-coding transcript variant (2).
Genome position (GRCh38, 1-based): chr2:166,036,379, A>G on the plus strand (T>C on the coding strand, the complement: SCN1A is on the minus strand). VCF-style: chr2-166036379-A-G. GRCh37 (hg19) VCF-style: chr2-166892889-A-G.
Other names: p.F1033S:TTT>TCT; c.3014T>C, p.Phe1005Ser (NM_001165964.3, NM_001353957.2, NM_001353958.2); c.3098T>C, p.Phe1033Ser (NM_001202435.3, NM_001353948.2); c.3065T>C, p.Phe1022Ser (NM_001353949.2, NM_001353950.2, NM_001353951.2 and 2 more transcripts); c.3062T>C, p.Phe1021Ser (NM_001353954.2, NM_001353955.2); c.3011T>C, p.Phe1004Ser (NM_001353960.2); c.656T>C, p.Phe219Ser (NM_001353961.2); short protein forms F1022S, F1033S, F1021S, F219S, F1004S, F1005S.
Identifiers: ClinVar variation 206796 (VCV000206796.9), dbSNP rs796052992, ClinGen allele CA317347.

ClinVar aggregate classification (germline): Uncertain significance. Review status: criteria provided, multiple submitters, no conflicts (2 of 4 stars). 3 submissions from 3 submitters: Uncertain significance (3). Last evaluated 2024-10-15.

Conditions:
Developmental and epileptic encephalopathy 6B. Also called: Developmental and epileptic encephalopathy 6B, non-Dravet. Identifiers: MedGen C5543353, MONDO:0030268, OMIM 619317.
Severe myoclonic epilepsy in infancy (DRVT). Also called: Epileptic encephalopathy, early infantile, 6 (Dravet syndrome); Dravet syndrome; SEVERE MYOCLONIC EPILEPSY OF INFANCY; DEVELOPMENTAL AND EPILEPTIC ENCEPHALOPATHY 6A; Severe Myoclonic Epilepsy in Infancy (SMEI). Identifiers: Orphanet 33069, MedGen C0751122, MONDO:0100135, OMIM 607208.
Migraine, familial hemiplegic, 3. Identifiers: Orphanet 569, MedGen C1864987, MONDO:0012320, OMIM 609634.
Generalized epilepsy with febrile seizures plus, type 2 (GEFSP2). Also called: GEFS+, TYPE 2. Identifiers: Orphanet 36387, MedGen C1858673, MONDO:0011461, OMIM 604403.
Early-infantile DEE. Also called: Early infantile epileptic encephalopathy; Ohtahara syndrome; Early infantile epileptic encephalopathy with suppression bursts. Identifiers: Orphanet 1934, MedGen C0393706, MONDO:0800491.

Allele frequency attached by ClinVar (database versions not stated): gnomAD exomes below 0.00001 and 0.00001; gnomAD 0.00001; TOPMed 0.00003.
gnomAD v4.1: 8 of 1,601,180 alleles (0.0005%); highest among the groups gnomAD compares: Non-Finnish European, 0.00068%; no homozygotes.

Submissions (3):

Labcorp Genetics (formerly Invitae), Labcorp
Classification: Uncertain significance for Early-infantile DEE. Last evaluated: 2024-10-15. Review status: criteria provided, single submitter. Criteria: Invitae Variant Classification Sherloc (09022015). Collection method: clinical testing. Allele origin: germline.
Comment: This sequence change replaces phenylalanine, which is neutral and non-polar, with serine, which is neutral and polar, at codon 1033 of the SCN1A protein (p.Phe1033Ser). This variant is present in population databases (rs796052992, gnomAD 0.002%). This variant has not been reported in the literature in individuals affected with SCN1A-related conditions. ClinVar contains an entry for this variant (Variation ID: 206796). Invitae Evidence Modeling of protein sequence and biophysical properties (such as structural, functional, and spatial information, amino acid conservation, physicochemical variation, residue mobility, and thermodynamic stability) has been performed for this missense variant. However, the output from this modeling did not meet the statistical confidence thresholds required to predict the impact of this variant on SCN1A protein function. In summary, the available evidence is currently insufficient to determine the role of this variant in disease. Therefore, it has been classified as a Variant of Uncertain Significance.

Fulgent Genetics
Classification: Uncertain significance for Generalized epilepsy with febrile seizures plus, type 2; Severe myoclonic epilepsy in infancy; Migraine, familial hemiplegic, 3; Developmental and epileptic encephalopathy 6B. Last evaluated: 2022-04-05. Review status: criteria provided, single submitter. Criteria: ACMG Guidelines, 2015. Collection method: clinical testing. Allele origin: unknown.

GeneDx
Classification: Uncertain significance. Last evaluated: 2015-12-22. Review status: criteria provided, single submitter. Criteria: GeneDx Variant Classification (06012015). Collection method: clinical testing. Allele origin: germline. Affected: yes.
Comment: The F1033S variant in the SCN1A gene has not been reported previously as a pathogenic variant, nor as a benign variant, to our knowledge. The F1033S variant was not observed in approximately 6,500 individuals of European and African American ancestry in the NHLBI Exome Sequencing Project, indicating it is not a common benign variant in these populations. The F1033S variant is a non-conservative amino acid substitution, which is likely to impact secondary protein structure as these residues differ in polarity, charge, size and/or other properties. This substitution occurs at a position that is conserved in mammals. In silico analysis is inconsistent in its predictions as to whether or not the variant is damaging to the protein structure/function. We interpret F1033S as a variant of uncertain significance.